The following is an entry in ClinVar:

NM_177438.3(DICER1):c.4267G>A (p.Glu1423Lys)

Gene: DICER1 (dicer 1, ribonuclease III; minus strand). Cytogenetic location: 14q32.13.
Variant type: single nucleotide variant.
Coding change: c.4267G>A on transcript NM_177438.3 (MANE Select); coding-DNA position 4267, G replaced by A.
Protein change: p.Glu1423Lys; replaces glutamic acid 1423 with lysine.
Molecular consequence: missense variant.
Genome position (GRCh38, 1-based): chr14:95,096,653, C>T on the plus strand (G>A on the coding strand, the complement: DICER1 is on the minus strand). VCF-style: chr14-95096653-C-T. GRCh37 (hg19) VCF-style: chr14-95562990-C-T.
Other names: c.4267G>A, p.Glu1423Lys (NM_001195573.1, NM_001271282.3, NM_001291628.2 and 1 more transcripts); short protein forms E1423K.
Identifiers: ClinVar variation 649571 (VCV000649571.18), dbSNP rs1021066468, ClinGen allele CA265898461.

ClinVar aggregate classification (germline): Uncertain significance. Review status: criteria provided, multiple submitters, no conflicts (2 of 4 stars). 3 submissions from 3 submitters: Uncertain significance (3). Last evaluated 2025-01-10.

Conditions:
DICER1-related tumor predisposition. Also called: DICER1-related pleuropulmonary blastoma cancer predisposition syndrome; DICER1 syndrome. Identifiers: Orphanet 284343, MedGen C3839822, MONDO:0100216.
Global developmental delay - lung cysts - overgrowth - Wilms tumor syndrome. Also called: GLOW Syndrome; GLOBAL DEVELOPMENTAL DELAY, LUNG CYSTS, OVERGROWTH, AND WILMS TUMOR. Identifiers: Orphanet 404476, MedGen C4748924, MONDO:0018445, OMIM 618272.
Hereditary cancer-predisposing syndrome. Also called: Hereditary Cancer Syndrome; Tumor predisposition; Neoplastic Syndromes, Hereditary; Hereditary neoplastic syndrome. Identifiers: Orphanet 140162, MedGen C0027672, MeSH D009386, MONDO:0015356.

Allele frequency attached by ClinVar (database versions not stated): gnomAD exomes 0.00001.
gnomAD v4.1: 7 of 1,612,944 alleles (0.00043%); highest among the groups gnomAD compares: Non-Finnish European, 0.00059%; no homozygotes.

Submissions (3):

Ambry Genetics
Classification: Uncertain significance for Hereditary cancer-predisposing syndrome. Last evaluated: 2025-01-10. Review status: criteria provided, single submitter. Criteria: Ambry Variant Classification Scheme 2023. Collection method: clinical testing. Allele origin: germline.
Comment: The p.E1423K variant (also known as c.4267G>A), located in coding exon 22 of the DICER1 gene, results from a G to A substitution at nucleotide position 4267. The glutamic acid at codon 1423 is replaced by lysine, an amino acid with similar properties. This amino acid position is highly conserved in available vertebrate species. In addition, the in silico prediction for this alteration is inconclusive. Based on the available evidence, the clinical significance of this variant remains unclear.

Baylor Genetics
Classification: Uncertain significance for Global developmental delay - lung cysts - overgrowth - Wilms tumor syndrome. Last evaluated: 2023-12-19. Review status: criteria provided, single submitter. Criteria: ACMG Guidelines, 2015. Collection method: clinical testing. Allele origin: unknown.

Labcorp Genetics (formerly Invitae), Labcorp
Classification: Uncertain significance for DICER1-related tumor predisposition. Last evaluated: 2023-12-14. Review status: criteria provided, single submitter. Criteria: Invitae Variant Classification Sherloc (09022015). Collection method: clinical testing. Allele origin: germline.
Comment: This sequence change replaces glutamic acid, which is acidic and polar, with lysine, which is basic and polar, at codon 1423 of the DICER1 protein (p.Glu1423Lys). This variant is not present in population databases (gnomAD no frequency). This variant has not been reported in the literature in individuals affected with DICER1-related conditions. ClinVar contains an entry for this variant (Variation ID: 649571). An algorithm developed to predict the effect of missense changes on protein structure and function (PolyPhen-2) suggests that this variant is likely to be disruptive. In summary, the available evidence is currently insufficient to determine the role of this variant in disease. Therefore, it has been classified as a Variant of Uncertain Significance.